The following is an entry in ClinVar:

NM_144670.6(A2ML1):c.4221+1G>A

Gene: A2ML1 (alpha-2-macroglobulin like 1; plus strand). Cytogenetic location: 12p13.31.
Variant type: single nucleotide variant.
Coding change: c.4221+1G>A on transcript NM_144670.6 (MANE Select); the canonical splice donor site of the intron after coding-DNA position 4221, G replaced by A.
Molecular consequence: splice donor variant.
Genome position (GRCh38, 1-based): chr12:8,869,204, G>A. VCF-style: chr12-8869204-G-A. GRCh37 (hg19) VCF-style: chr12-9021800-G-A.
Other names: c.2748+1G>A (NM_001282424.3).
Identifiers: ClinVar variation 4777768 (VCV004777768.1).

ClinVar aggregate classification (germline): Uncertain significance (1 of 4 stars; one submission).

Submission:

Labcorp Genetics (formerly Invitae), Labcorp
Classification: Uncertain significance. Last evaluated: 2025-12-09. Review status: criteria provided, single submitter. Criteria: Invitae Variant Classification Sherloc (09022015). Collection method: clinical testing. Allele origin: germline.
Comment: This sequence change affects a donor splice site in intron 33 of the A2ML1 gene. It is expected to disrupt RNA splicing. Variants that disrupt the donor or acceptor splice site typically lead to a loss of protein function (PMID: 16199547), however the current clinical and genetic evidence is not sufficient to establish whether loss-of-function variants in A2ML1 cause disease. This variant is not present in population databases (gnomAD no frequency). This variant has not been reported in the literature in individuals affected with A2ML1-related conditions. Algorithms developed to predict the effect of sequence changes on RNA splicing suggest that this variant may disrupt the consensus splice site. In summary, the available evidence is currently insufficient to determine the role of this variant in disease. Therefore, it has been classified as a Variant of Uncertain Significance.

Literature cited by the submitters: PubMed 16199547.